The following is an entry in ClinVar:

NM_000059.4(BRCA2):c.1207C>A (p.Leu403Ile)

Gene: BRCA2 (BRCA2 DNA repair associated; plus strand). Cytogenetic location: 13q13.1.
Variant type: single nucleotide variant.
Coding change: c.1207C>A on transcript NM_000059.4 (MANE Select); coding-DNA position 1207, C replaced by A.
Protein change: p.Leu403Ile; replaces leucine 403 with isoleucine.
Molecular consequence: missense variant. On other transcripts: non-coding transcript variant (1), intron variant (1).
Genome position (GRCh38, 1-based): chr13:32,332,685, C>A. VCF-style: chr13-32332685-C-A. GRCh37 (hg19) VCF-style: chr13-32906822-C-A.
Other names: c.1207C>A, p.Leu403Ile (NM_001406719.1, NM_001406720.1, NM_001406721.1 and 1 more transcripts); c.424+1655C>A (NM_001406722.1); short protein forms L403I.
Identifiers: ClinVar variation 4802276 (VCV004802276.1).

ClinVar aggregate classification (germline): Uncertain significance (1 of 4 stars; one submission).

Conditions:
Hereditary breast ovarian cancer syndrome. Also called: Hereditary breast and ovarian cancer syndrome (HBOC); Hereditary breast and ovarian cancer; Breast and ovarian cancer; Hereditary breast and/or ovarian cancer syndrome; BRCA1- and BRCA2-Associated Hereditary Breast and Ovarian Cancer; Hereditary breast and ovarian cancer syndrome. Identifiers: Orphanet 145, MedGen C0677776, MeSH D061325, MONDO:0003582. Disease mechanism: loss of function.

Submission:

Labcorp Genetics (formerly Invitae), Labcorp
Classification: Uncertain significance for Hereditary breast ovarian cancer syndrome. Last evaluated: 2025-03-18. Review status: criteria provided, single submitter. Criteria: Invitae Variant Classification Sherloc (09022015). Collection method: clinical testing. Allele origin: germline.
Comment: This sequence change replaces leucine, which is neutral and non-polar, with isoleucine, which is neutral and non-polar, at codon 403 of the BRCA2 protein (p.Leu403Ile). This variant is not present in population databases (gnomAD no frequency). This variant has not been reported in the literature in individuals affected with BRCA2-related conditions. Invitae Evidence Modeling of protein sequence and biophysical properties (such as structural, functional, and spatial information, amino acid conservation, physicochemical variation, residue mobility, and thermodynamic stability) indicates that this missense variant is not expected to disrupt BRCA2 protein function with a negative predictive value of 95%. In summary, the available evidence is currently insufficient to determine the role of this variant in disease. Therefore, it has been classified as a Variant of Uncertain Significance.